The following is an entry in ClinVar:

NM_002734.5(PRKAR1A):c.989T>C (p.Leu330Pro)

Gene: PRKAR1A (protein kinase cAMP-dependent type I regulatory subunit alpha; plus strand). Cytogenetic location: 17q24.2.
Variant type: single nucleotide variant.
Coding change: c.989T>C on transcript NM_002734.5 (MANE Select); coding-DNA position 989, T replaced by C.
Protein change: p.Leu330Pro; replaces leucine 330 with proline.
Molecular consequence: missense variant. On other transcripts: intron variant (1).
Genome position (GRCh38, 1-based): chr17:68,530,292, T>C. VCF-style: chr17-68530292-T-C. GRCh37 (hg19) VCF-style: chr17-66526433-T-C.
Other names: c.989T>C, p.Leu330Pro (NM_001276289.2, NM_001278433.2, NM_001369389.1 and 3 more transcripts); c.973+291T>C (NM_001276290.1); short protein forms L330P.
Identifiers: ClinVar variation 1923237 (VCV001923237.5), dbSNP rs2509446347, ClinGen allele CA400754436.

ClinVar aggregate classification (germline): Uncertain significance (1 of 4 stars; one submission).

Conditions:
Carney complex, type 1 (CNC1). Also called: CARNEY COMPLEX, TYPE I; CARNEY MYXOMA-ENDOCRINE COMPLEX. Identifiers: Orphanet 1359, MedGen C2607929, MONDO:0008057, OMIM 160980.

Submission:

Labcorp Genetics (formerly Invitae), Labcorp
Classification: Uncertain significance for Carney complex, type 1. Last evaluated: 2022-03-06. Review status: criteria provided, single submitter. Criteria: Invitae Variant Classification Sherloc (09022015). Collection method: clinical testing. Allele origin: germline.
Comment: In summary, the available evidence is currently insufficient to determine the role of this variant in disease. Therefore, it has been classified as a Variant of Uncertain Significance. Algorithms developed to predict the effect of missense changes on protein structure and function are either unavailable or do not agree on the potential impact of this missense change (SIFT: "Deleterious"; PolyPhen-2: "Probably Damaging"; Align-GVGD: "Class C0"). This variant has not been reported in the literature in individuals affected with PRKAR1A-related conditions. This variant is not present in population databases (gnomAD no frequency). This sequence change replaces leucine, which is neutral and non-polar, with proline, which is neutral and non-polar, at codon 330 of the PRKAR1A protein (p.Leu330Pro).